The following is an entry in ClinVar:

NM_000368.5(TSC1):c.2337C>G (p.Ile779Met)

Gene: TSC1 (TSC complex subunit 1; minus strand). Cytogenetic location: 9q34.13.
Variant type: single nucleotide variant.
Coding change: c.2337C>G on transcript NM_000368.5 (MANE Select); coding-DNA position 2337, C replaced by G.
Protein change: p.Ile779Met; replaces isoleucine 779 with methionine.
Molecular consequence: missense variant.
Genome position (GRCh38, 1-based): chr9:132,902,659, G>C on the plus strand (C>G on the coding strand, the complement: TSC1 is on the minus strand). VCF-style: chr9-132902659-G-C. GRCh37 (hg19) VCF-style: chr9-135778046-G-C.
Other names: c.2334C>G, p.Ile778Met (NM_001162426.2, NM_001406598.1, NM_001406599.1 and 4 more transcripts); c.2184C>G, p.Ile728Met (NM_001162427.2, NM_001406610.1); c.1974C>G, p.Ile658Met (NM_001362177.2, NM_001406619.1, NM_001406624.1 and 5 more transcripts); c.2337C>G, p.Ile779Met (NM_001406592.1, NM_001406593.1, NM_001406605.1 and 5 more transcripts); c.2322C>G, p.Ile774Met (NM_001406601.1, NM_001406602.1); c.2319C>G, p.Ile773Met (NM_001406603.1, NM_001406604.1); c.1971C>G, p.Ile657Met (NM_001406620.1, NM_001406621.1, NM_001406622.1 and 2 more transcripts); c.1386C>G, p.Ile462Met (NM_001406626.1); and 3 more; short protein forms I462M, I658M, I778M, I727M, I728M, I779M, I428M, I461M.
Identifiers: ClinVar variation 2015858 (VCV002015858.5), dbSNP rs2131731818, ClinGen allele CA375359434.

ClinVar aggregate classification (germline): Uncertain significance. Review status: criteria provided, multiple submitters, no conflicts (2 of 4 stars). 2 submissions from 2 submitters: Uncertain significance (2). Last evaluated 2024-04-01.

Conditions:
Isolated focal cortical dysplasia type II (FCORD2). Also called: CORTICAL DYSPLASIA OF TAYLOR; Focal cortical dysplasia type II. Identifiers: Orphanet 268994, MedGen C1846385, MONDO:0011818, OMIM 607341, HP:0032051.
Lymphangiomyomatosis (LAM). Also called: Lymphangioleiomyomatosis; Lymphangioleiomyomatosis, somatic. Identifiers: Orphanet 538, MedGen C0751674, MONDO:0011705, OMIM 606690.
Tuberous sclerosis 1 (TSC1). Identifiers: Orphanet 805, MedGen C1854465, MONDO:0008612, OMIM 191100.

Submissions (2):

Fulgent Genetics
Classification: Uncertain significance for Tuberous sclerosis 1; Lymphangiomyomatosis; Isolated focal cortical dysplasia type II. Last evaluated: 2024-04-01. Review status: criteria provided, single submitter. Criteria: ACMG Guidelines, 2015. Collection method: clinical testing. Allele origin: germline.

Labcorp Genetics (formerly Invitae), Labcorp
Classification: Uncertain significance for Tuberous sclerosis 1. Last evaluated: 2022-07-11. Review status: criteria provided, single submitter. Criteria: Invitae Variant Classification Sherloc (09022015). Collection method: clinical testing. Allele origin: germline.
Comment: This sequence change replaces isoleucine, which is neutral and non-polar, with methionine, which is neutral and non-polar, at codon 779 of the TSC1 protein (p.Ile779Met). This variant is not present in population databases (gnomAD no frequency). This variant has not been reported in the literature in individuals affected with TSC1-related conditions. Algorithms developed to predict the effect of missense changes on protein structure and function are either unavailable or do not agree on the potential impact of this missense change (SIFT: "Deleterious"; PolyPhen-2: "Benign"; Align-GVGD: "Class C0"). In summary, the available evidence is currently insufficient to determine the role of this variant in disease. Therefore, it has been classified as a Variant of Uncertain Significance.